The following is an entry in ClinVar:

NM_017617.5(NOTCH1):c.4615del (p.His1539fs)

Gene: NOTCH1 (notch receptor 1; minus strand). Cytogenetic location: 9q34.3.
Variant type: Deletion.
Coding change: c.4615del on transcript NM_017617.5 (MANE Select); coding-DNA position 4615, one base deleted (C; older notation c.4615delC).
Protein change: p.His1539fs; shifts the reading frame from histidine 1539.
Molecular consequence: frameshift variant.
Genome position (GRCh38, 1-based): chr9:136,505,076, G deleted on the plus strand (C on the coding strand, the reverse complement: NOTCH1 is on the minus strand); the first of 2 consecutive G bases (chr9:136,505,076-136,505,077); deleting either gives the same sequence. VCF-style (leftmost placement, unchanged base first): chr9-136505075-TG-T. GRCh37 (hg19) VCF-style: chr9-139399527-TG-T.
Other names: short protein forms H1539fs.
Identifiers: ClinVar variation 5018764 (VCV005018764.1).

ClinVar aggregate classification (germline): Pathogenic (1 of 4 stars; one submission).

Conditions:
Aortic valve disease 1 (AOVD1). Identifiers: MedGen C3887892, MONDO:0024523, OMIM 109730.
Adams-Oliver syndrome 5 (AOS5). Identifiers: Orphanet 974, MedGen C4014970, MONDO:0014459, OMIM 616028.

Submission:

Juno Genomics, Hangzhou Juno Genomics, Inc
Classification: Pathogenic for Adams-Oliver syndrome 5; Aortic valve disease 1. Review status: criteria provided, single submitter. Criteria: ACMG Guidelines, 2015. Collection method: clinical testing. Allele origin: germline. Affected: yes.
Comment: Absent from controls (or at extremely low frequency if recessive) in Genome Aggregation Database.;Null variant in a gene where loss of function (LOF) is a known mechanism of disease.;Patient's phenotype or family history is highly specific for a disease with a single genetic etiology.